The following is an entry in ClinVar:

NM_001142800.2(EYS):c.4156G>A (p.Asp1386Asn)

Gene: EYS (EGF-like photoreceptor maintenance factor; minus strand). Cytogenetic location: 6q12.
Variant type: single nucleotide variant.
Coding change: c.4156G>A on transcript NM_001142800.2 (MANE Select); coding-DNA position 4156, G replaced by A.
Protein change: p.Asp1386Asn; replaces aspartic acid 1386 with asparagine.
Molecular consequence: missense variant.
Genome position (GRCh38, 1-based): chr6:64,591,711, C>T on the plus strand (G>A on the coding strand, the complement: EYS is on the minus strand). VCF-style: chr6-64591711-C-T. GRCh37 (hg19) VCF-style: chr6-65301604-C-T.
Other names: c.4156G>A, p.Asp1386Asn (NM_001292009.2); short protein forms D1386N.
Identifiers: ClinVar variation 937269 (VCV000937269.7), dbSNP rs376632836, ClinGen allele CA140340968.

ClinVar aggregate classification (germline): Uncertain significance. Review status: criteria provided, multiple submitters, no conflicts (2 of 4 stars). 5 submissions from 5 submitters: Uncertain significance (4). 1 of the submissions does not count toward it. Last evaluated 2026-01-26.

Conditions:
EYS-related disorder. Also called: EYS-related condition.
Inborn genetic diseases. Identifiers: MedGen C0950123, MeSH D030342.
Autosomal recessive retinitis pigmentosa. Identifiers: MedGen C0339526.

Allele frequency attached by ClinVar (database versions not stated): gnomAD exomes 0.00001 and 0.00006; gnomAD 0.00005 and 0.00006; TOPMed 0.00005; ESP Exome Variant Server 0.00022.
gnomAD v4.1: 21 of 1,551,142 alleles (0.0014%); highest among the groups gnomAD compares: Admixed American, 0.018%; no homozygotes.

Submissions (5):

PreventionGenetics, part of Exact Sciences
Classification: Uncertain significance for EYS-related condition. Last evaluated: 2026-01-26. Review status: criteria provided, single submitter. Criteria: ACMG Guidelines, 2015. Collection method: clinical testing. Allele origin: germline.
Comment: The EYS c.4156G>A variant is predicted to result in the amino acid substitution p.Asp1386Asn. To our knowledge, this variant has not been reported in the literature. This variant is reported in 0.035% of alleles in individuals of Latino descent in gnomAD. At this time, the clinical significance of this variant is uncertain due to the absence of conclusive functional and genetic evidence.

Labcorp Genetics (formerly Invitae), Labcorp
Classification: Uncertain significance. Last evaluated: 2021-10-25. Review status: criteria provided, single submitter. Criteria: Invitae Variant Classification Sherloc (09022015). Collection method: clinical testing. Allele origin: germline.
Comment: This sequence change replaces aspartic acid with asparagine at codon 1386 of the EYS protein (p.Asp1386Asn). The aspartic acid residue is moderately conserved and there is a small physicochemical difference between aspartic acid and asparagine. This variant is not present in population databases (ExAC no frequency). This variant has not been reported in the literature in individuals affected with EYS-related conditions. Algorithms developed to predict the effect of missense changes on protein structure and function output the following: SIFT: "Tolerated"; PolyPhen-2: "Benign"; Align-GVGD: "Class C0". The asparagine amino acid residue is found in multiple mammalian species, which suggests that this missense change does not adversely affect protein function. In summary, the available evidence is currently insufficient to determine the role of this variant in disease. Therefore, it has been classified as a Variant of Uncertain Significance.

Ambry Genetics
Classification: Uncertain significance for Inborn genetic diseases. Last evaluated: 2021-07-09. Review status: criteria provided, single submitter. Criteria: Ambry Variant Classification Scheme 2023. Collection method: clinical testing. Allele origin: germline.

Blueprint Genetics
Classification: Uncertain significance. Last evaluated: 2020-11-05. Review status: criteria provided, single submitter. Criteria: ACMG Guidelines, 2015. Collection method: clinical testing. Allele origin: germline.

Natera, Inc.
Classification: Uncertain significance for Autosomal recessive retinitis pigmentosa. Last evaluated: 2020-08-19. Review status: no assertion criteria provided. Collection method: clinical testing. Allele origin: germline. Not counted in ClinVar's aggregate classification.